The following is an entry in ClinVar:

NM_006245.4(PPP2R5D):c.974G>A (p.Arg325His)

Gene: PPP2R5D (protein phosphatase 2 regulatory subunit B'delta; plus strand). Cytogenetic location: 6p21.1.
Variant type: single nucleotide variant.
Coding change: c.974G>A on transcript NM_006245.4 (MANE Select); coding-DNA position 974, G replaced by A.
Protein change: p.Arg325His; replaces arginine 325 with histidine.
Molecular consequence: missense variant.
Genome position (GRCh38, 1-based): chr6:43,008,423, G>A. VCF-style: chr6-43008423-G-A. GRCh37 (hg19) VCF-style: chr6-42976161-G-A.
Other names: c.521G>A, p.Arg174His (NM_001270476.2); c.878G>A, p.Arg293His (NM_180976.3); c.656G>A, p.Arg219His (NM_180977.3); short protein forms R174H, R219H, R293H, R325H.
Identifiers: ClinVar variation 1304804 (VCV001304804.5), dbSNP rs2150280325, ClinGen allele CA364191926.

ClinVar aggregate classification (germline): Uncertain significance. Review status: criteria provided, multiple submitters, no conflicts (2 of 4 stars). 2 submissions from 2 submitters: Uncertain significance (2). Last evaluated 2022-10-29.

gnomAD v4.1: 1 of 1,614,024 alleles (0.000062%); highest among the groups gnomAD compares: Non-Finnish European, 0.000085%; no homozygotes.

Submissions (2):

Labcorp Genetics (formerly Invitae), Labcorp
Classification: Uncertain significance. Last evaluated: 2022-10-29. Review status: criteria provided, single submitter. Criteria: Invitae Variant Classification Sherloc (09022015). Collection method: clinical testing. Allele origin: germline.
Comment: In summary, the available evidence is currently insufficient to determine the role of this variant in disease. Therefore, it has been classified as a Variant of Uncertain Significance. This sequence change replaces arginine, which is basic and polar, with histidine, which is basic and polar, at codon 325 of the PPP2R5D protein (p.Arg325His). This variant is not present in population databases (gnomAD no frequency). This variant has not been reported in the literature in individuals affected with PPP2R5D-related conditions. ClinVar contains an entry for this variant (Variation ID: 1304804). Algorithms developed to predict the effect of missense changes on protein structure and function are either unavailable or do not agree on the potential impact of this missense change (SIFT: "Deleterious"; PolyPhen-2: "Benign"; Align-GVGD: "Class C0").

GeneDx
Classification: Uncertain significance. Last evaluated: 2019-07-25. Review status: criteria provided, single submitter. Criteria: GeneDx Variant Classification Process June 2021. Collection method: clinical testing. Allele origin: germline. Affected: yes.
Comment: Not observed in large population cohorts (Lek et al., 2016); In silico analysis, which includes protein predictors and evolutionary conservation, supports a deleterious effect; Has not been previously published as pathogenic or benign to our knowledge